The following is an entry in ClinVar:

NM_020971.3(SPTBN4):c.5493C>T (p.Ala1831=)

Gene: SPTBN4 (spectrin beta, non-erythrocytic 4; plus strand). Cytogenetic location: 19q13.2.
Variant type: single nucleotide variant.
Coding change: c.5493C>T on transcript NM_020971.3 (MANE Select); coding-DNA position 5493, C replaced by T.
Protein change: p.Ala1831=; no amino-acid change (alanine 1831 retained).
Molecular consequence: synonymous variant.
Genome position (GRCh38, 1-based): chr19:40,557,226, C>T. VCF-style: chr19-40557226-C-T. GRCh37 (hg19) VCF-style: chr19-41063132-C-T.
Other names: c.1521C>T, p.Ala507= (NM_025213.3).
Identifiers: ClinVar variation 2649905 (VCV002649905.25), dbSNP rs371480873, ClinGen allele CA9446509.

ClinVar aggregate classification (germline): Likely benign. Review status: criteria provided, multiple submitters, no conflicts (2 of 4 stars). 2 submissions from 2 submitters: Likely benign (2). Last evaluated 2022-08-01.

Allele frequency attached by ClinVar (database versions not stated): ExAC 0.00003; gnomAD 0.00005; gnomAD exomes 0.00005; TOPMed 0.00009.
gnomAD v4.1: 86 of 1,611,188 alleles (0.0053%); highest among the groups gnomAD compares: East Asian, 0.013%; no homozygotes.

Submissions (2):

CeGaT Center for Human Genetics Tuebingen
Classification: Likely benign. Last evaluated: 2022-08-01. Review status: criteria provided, single submitter. Criteria: CeGaT Center For Human Genetics Tuebingen Variant Classification Criteria Version 2. Collection method: clinical testing. Allele origin: germline. Affected: yes. Observed: 1 variant allele.
Comment: SPTBN4: BP4, BP7

Blueprint Genetics
Classification: Likely benign. Last evaluated: 2022-07-26. Review status: criteria provided, single submitter. Criteria: ACMG Guidelines, 2015. Collection method: clinical testing. Allele origin: germline.